The following is an entry in ClinVar:

ClinVar aggregate classification (germline): Uncertain significance. Review status: criteria provided, multiple submitters, no conflicts (2 of 4 stars). 2 submissions from 2 submitters: Uncertain significance (2). Last evaluated 2024-10-06.

Conditions:
Von Hippel-Lindau syndrome (VHLS). Also called: Von Hippel-Lindau; von Hippel–Lindau syndrome; VHL syndrome. Identifiers: Orphanet 892, MedGen C0019562, MONDO:0008667, OMIM 193300. Disease mechanism: loss of function.
Chuvash polycythemia. Also called: POLYCYTHEMIA, VHL-DEPENDENT. Identifiers: Orphanet 238557, MedGen C1837915, MONDO:0009892, OMIM 263400.
Hereditary cancer-predisposing syndrome. Also called: Hereditary neoplastic syndrome; Neoplastic Syndromes, Hereditary; Tumor predisposition; Hereditary Cancer Syndrome. Identifiers: Orphanet 140162, MedGen C0027672, MeSH D009386, MONDO:0015356.

gnomAD v4.1: 1 of 1,534,464 alleles (0.000065%); highest among the groups gnomAD compares: Non-Finnish European, 0.000088%; no homozygotes.

Submissions (2):

Labcorp Genetics (formerly Invitae), Labcorp
Classification: Uncertain significance for Von Hippel-Lindau syndrome; Chuvash polycythemia. Last evaluated: 2024-10-06. Review status: criteria provided, single submitter. Criteria: Invitae Variant Classification Sherloc (09022015). Collection method: clinical testing. Allele origin: germline.
Comment: This sequence change replaces glutamic acid, which is acidic and polar, with glutamine, which is neutral and polar, at codon 10 of the VHL protein (p.Glu10Gln). This variant is not present in population databases (gnomAD no frequency). This variant has not been reported in the literature in individuals affected with VHL-related conditions. ClinVar contains an entry for this variant (Variation ID: 1042098). Invitae Evidence Modeling of protein sequence and biophysical properties (such as structural, functional, and spatial information, amino acid conservation, physicochemical variation, residue mobility, and thermodynamic stability) indicates that this missense variant is not expected to disrupt VHL protein function with a negative predictive value of 95%. In summary, the available evidence is currently insufficient to determine the role of this variant in disease. Therefore, it has been classified as a Variant of Uncertain Significance.

Ambry Genetics
Classification: Uncertain significance for Hereditary cancer-predisposing syndrome. Last evaluated: 2022-07-11. Review status: criteria provided, single submitter. Criteria: Ambry Variant Classification Scheme 2023. Collection method: clinical testing. Allele origin: germline.
Comment: The p.E10Q variant (also known as c.28G>C), located in coding exon 1 of the VHL gene, results from a G to C substitution at nucleotide position 28. The glutamic acid at codon 10 is replaced by glutamine, an amino acid with highly similar properties. This amino acid position is well conserved in available vertebrate species. In addition, this alteration is predicted to be tolerated by in silico analysis. Since supporting evidence is limited at this time, the clinical significance of this alteration remains unclear.

NM_000551.4(VHL):c.28G>C (p.Glu10Gln)

Gene: VHL (von Hippel-Lindau tumor suppressor; plus strand). Cytogenetic location: 3p25.3.
Variant type: single nucleotide variant.
Coding change: c.28G>C on transcript NM_000551.4 (MANE Select); coding-DNA position 28, G replaced by C.
Protein change: p.Glu10Gln; replaces glutamic acid 10 with glutamine.
Molecular consequence: missense variant.
Genome position (GRCh38, 1-based): chr3:10,141,875, G>C. VCF-style: chr3-10141875-G-C. GRCh37 (hg19) VCF-style: chr3-10183559-G-C.
Other names: c.28G>C, p.Glu10Gln (NM_001354723.2, NM_198156.3); short protein forms E10Q.
Identifiers: ClinVar variation 1042098 (VCV001042098.9), dbSNP rs1057519261, ClinGen allele CA351747087.